The following is an entry in ClinVar:

ClinVar aggregate classification (germline): Uncertain significance (1 of 4 stars; one submission).

Conditions:
Ellis-van Creveld syndrome (EVC). Also called: EVC-Related Ellis-van Creveld Syndrome; EVC2-Related Ellis-van Creveld Syndrome; Chondroectodermal dysplasia; MESOECTODERMAL DYSPLASIA. Identifiers: Orphanet 289, MedGen C0013903, MONDO:0009162, OMIM 225500.
Curry-Hall syndrome (WAD). Also called: WEYERS ACRODENTAL DYSOSTOSIS. Identifiers: Orphanet 952, MedGen C0457013, MONDO:0008673, OMIM 193530.

Allele frequency attached by ClinVar (database versions not stated): ExAC 0.00004.

Submission:

Labcorp Genetics (formerly Invitae), Labcorp
Classification: Uncertain significance for Curry-Hall syndrome; Ellis-van Creveld syndrome. Last evaluated: 2022-01-12. Review status: criteria provided, single submitter. Criteria: Invitae Variant Classification Sherloc (09022015). Collection method: clinical testing. Allele origin: germline.
Comment: This sequence change replaces glycine, which is neutral and non-polar, with arginine, which is basic and polar, at codon 793 of the EVC2 protein (p.Gly793Arg). This variant is present in population databases (rs141172036, gnomAD 0.008%). This variant has not been reported in the literature in individuals affected with EVC2-related conditions. Algorithms developed to predict the effect of missense changes on protein structure and function are either unavailable or do not agree on the potential impact of this missense change (SIFT: "Tolerated"; PolyPhen-2: "Possibly Damaging"; Align-GVGD: "Class C0"). In summary, the available evidence is currently insufficient to determine the role of this variant in disease. Therefore, it has been classified as a Variant of Uncertain Significance.

NM_147127.5(EVC2):c.2377G>C (p.Gly793Arg)

Gene: EVC2 (EvC ciliary complex subunit 2; minus strand). Cytogenetic location: 4p16.2.
Variant type: single nucleotide variant.
Coding change: c.2377G>C on transcript NM_147127.5 (MANE Select); coding-DNA position 2377, G replaced by C.
Protein change: p.Gly793Arg; replaces glycine 793 with arginine.
Molecular consequence: missense variant.
Genome position (GRCh38, 1-based): chr4:5,622,661, C>G on the plus strand (G>C on the coding strand, the complement: EVC2 is on the minus strand). VCF-style: chr4-5622661-C-G. GRCh37 (hg19) VCF-style: chr4-5624388-C-G.
Other names: c.2137G>C, p.Gly713Arg (NM_001166136.2); short protein forms G793R, G713R.
Identifiers: ClinVar variation 2193687 (VCV002193687.1), dbSNP rs141172036, ClinGen allele CA2834737.
Genomic context (GRCh38, chr4:5,622,661, plus strand): 5'-CATCCTTCAGTCTCTGCCTCACGCTCTGGACACCCTCCTGGTCCCTGTCCCTCTCCTCCC[C>G]CTCCAGCTGCTCGGCCCGTGCAGCCATCTCCTTGCCGTGCTCCTCCAGGATCTGCTGCAG-3'
Protein context (NP_667338.3, residues 783-803): EMAARAEQLE[Gly793Arg]EERDRDQEGV